The following is an entry in ClinVar:

ClinVar aggregate classification (germline): Likely benign. Review status: criteria provided, multiple submitters, no conflicts (2 of 4 stars). 2 submissions from 2 submitters: Likely benign (2). Last evaluated 2026-01-11.

Conditions:
Oligodontia-cancer predisposition syndrome. Also called: TOOTH AGENESIS-COLORECTAL CANCER SYNDROME. Identifiers: Orphanet 300576, MedGen C1837750, MONDO:0012075, OMIM 608615. Disease mechanism: loss of function.

Allele frequency attached by ClinVar (database versions not stated): gnomAD exomes below 0.00001; ExAC 0.00001.
gnomAD v4.1: 4 of 1,612,882 alleles (0.00025%); highest among the groups gnomAD compares: Non-Finnish European, 0.00034%; no homozygotes.

Submissions (2):

Labcorp Genetics (formerly Invitae), Labcorp
Classification: Likely benign for Oligodontia-cancer predisposition syndrome. Last evaluated: 2026-01-11. Review status: criteria provided, single submitter. Criteria: Invitae Variant Classification Sherloc (09022015). Collection method: clinical testing. Allele origin: germline.

Myriad Genetics, Inc.
Classification: Likely benign for Oligodontia-cancer predisposition syndrome. Last evaluated: 2024-07-08. Review status: criteria provided, single submitter. Criteria: Myriad Autosomal Dominant, Autosomal Recessive and X-Linked Classification Criteria (2023). Collection method: clinical testing. Allele origin: unknown.
Comment: This variant is considered likely benign. This variant is intronic and is not expected to impact mRNA splicing.

NM_004655.4(AXIN2):c.1907+9C>T

Gene: AXIN2 (axin 2; minus strand). Cytogenetic location: 17q24.1.
Variant type: single nucleotide variant.
Coding change: c.1907+9C>T on transcript NM_004655.4 (MANE Select); 9 bases into the intron after coding-DNA position 1907, C replaced by T.
Molecular consequence: intron variant.
Genome position (GRCh38, 1-based): chr17:65,536,860, G>A on the plus strand (C>T on the coding strand, the complement: AXIN2 is on the minus strand). VCF-style: chr17-65536860-G-A. GRCh37 (hg19) VCF-style: chr17-63532978-G-A.
Other names: c.1713-307C>T (NM_001363813.1); c.1907+9C>T (LRG_296t1).
Identifiers: ClinVar variation 464581 (VCV000464581.12), dbSNP rs757142681, ClinGen allele CA8718493.